The following is an entry in ClinVar:

ClinVar aggregate classification (germline): Uncertain significance. Review status: criteria provided, multiple submitters, no conflicts (2 of 4 stars). 3 submissions from 3 submitters: Uncertain significance (3). Last evaluated 2025-02-27.

Conditions:
Sessile serrated polyposis cancer syndrome (SSPCS). Identifiers: Orphanet 157798, MedGen C4310714, MONDO:0014919, OMIM 617108.

Submissions (3):

Ambry Genetics
Classification: Uncertain significance. Last evaluated: 2025-02-27. Review status: criteria provided, single submitter. Criteria: Ambry Variant Classification Scheme 2023. Collection method: clinical testing. Allele origin: germline.
Comment: The c.1252_1254delCTGinsATA variant (also known as p.L418I), located in coding exon 8 of the RNF43 gene, results from an in-frame deletion of CTG and insertion of ATA at nucleotide positions 1252 to 1254. This results in the substitution of the leucine residue for an isoleucine residue at codon 418, an amino acid with highly similar properties. This amino acid position is not well conserved in available vertebrate species. The evidence for this gene-disease relationship is limited; therefore, the clinical significance of this alteration is unclear.

GeneDx
Classification: Uncertain significance. Last evaluated: 2024-06-25. Review status: criteria provided, single submitter. Criteria: GeneDx Variant Classification Process June 2021. Collection method: clinical testing. Allele origin: germline. Affected: yes.
Comment: Not observed at significant frequency in large population cohorts (gnomAD); In silico analysis indicates that this variant does not alter protein structure/function; Has not been previously published as pathogenic or benign to our knowledge; Variants in candidate genes are classified as variants of uncertain significance in accordance with ACMG guidelines (PMID: 25741868)

Fulgent Genetics
Classification: Uncertain significance for Sessile serrated polyposis cancer syndrome. Last evaluated: 2024-06-12. Review status: criteria provided, single submitter. Criteria: ACMG Guidelines, 2015. Collection method: clinical testing. Allele origin: germline.

NM_017763.6(RNF43):c.1252_1254delinsATA (p.Leu418Ile)

Gene: RNF43 (ring finger protein 43; minus strand). Cytogenetic location: 17q22.
Variant type: Indel.
Coding change: c.1252_1254delinsATA on transcript NM_017763.6 (MANE Select); coding-DNA positions 1252 to 1254, CTG replaced by ATA.
Protein change: p.Leu418Ile; replaces leucine 418 with isoleucine.
Molecular consequence: missense variant.
Genome position (GRCh38, 1-based): chr17:58,358,522-58,358,524, CAG replaced by TAT on the plus strand (CTG replaced by ATA on the coding strand, the reverse complement: RNF43 is on the minus strand). VCF-style: chr17-58358522-CAG-TAT. GRCh37 (hg19) VCF-style: chr17-56435883-CAG-TAT.
Other names: c.1252_1254delCTGinsATA (NM_017763.4); c.1252_1254delCTGinsATA, p.Leu418Ile (NM_001305544.3); c.871_873delCTGinsATA, p.Leu291Ile (NM_001305545.2); short protein forms L291I, L418I.
Identifiers: ClinVar variation 3392640 (VCV003392640.3).